The following is an entry in ClinVar:

NC_000023.10:g.(?_33038246)_(33229429_?)dup

Gene: DMD (dystrophin; minus strand). Cytogenetic location: Xp21.1.
Variant type: Duplication.
Identifiers: ClinVar variation 999685 (VCV000999685.5).

ClinVar aggregate classification (germline): Uncertain significance (1 of 4 stars; one submission).

Conditions:
Duchenne muscular dystrophy (DMD). Also called: MUSCULAR DYSTROPHY, PSEUDOHYPERTROPHIC PROGRESSIVE, DUCHENNE TYPE; Duchenne Muscular Dystrophy (DMD). Identifiers: Orphanet 98896, MedGen C0013264, MONDO:0010679, OMIM 310200.

Submission:

Labcorp Genetics (formerly Invitae), Labcorp
Classification: Uncertain significance for Duchenne muscular dystrophy. Last evaluated: 2020-06-30. Review status: criteria provided, single submitter. Criteria: Invitae Variant Classification Sherloc (09022015). Collection method: clinical testing. Allele origin: germline.
Comment: In summary, the available evidence is currently insufficient to determine the role of this variant in disease. Therefore, it has been classified as a Variant of Uncertain Significance. Experimental studies and prediction algorithms are not available or were not evaluated, and the functional significance of this variant is currently unknown. This variant has not been reported in the literature in individuals with DMD-related conditions. This sequence change is a complex rearrangement of exons 1-4 of the DMD gene. It results in copy number gains for exons 1 and 2 and expected copy number for exons 3 and 4. In addition, there is some indication that part of the sequence may be inverted relative to the reading frame. The exact nature of this event is unknown.